The following is an entry in ClinVar:

NM_006158.5(NEFL):c.834A>T (p.Glu278Asp)

Gene: NEFL (neurofilament light chain; minus strand). Cytogenetic location: 8p21.2.
Variant type: single nucleotide variant.
Coding change: c.834A>T on transcript NM_006158.5 (MANE Select); coding-DNA position 834, A replaced by T.
Protein change: p.Glu278Asp; replaces glutamic acid 278 with aspartic acid.
Molecular consequence: missense variant.
Genome position (GRCh38, 1-based): chr8:24,955,682, T>A on the plus strand (A>T on the coding strand, the complement: NEFL is on the minus strand). VCF-style: chr8-24955682-T-A. GRCh37 (hg19) VCF-style: chr8-24813196-T-A.
Other names: short protein forms E278D.
Identifiers: ClinVar variation 1763020 (VCV001763020.2), dbSNP rs752136885, ClinGen allele CA370621521.

ClinVar aggregate classification (germline): Uncertain significance (1 of 4 stars; one submission).

Conditions:
Inborn genetic diseases. Identifiers: MedGen C0950123, MeSH D030342.

Submission:

Ambry Genetics
Classification: Uncertain significance for Inborn genetic diseases. Last evaluated: 2019-11-22. Review status: criteria provided, single submitter. Criteria: Ambry Variant Classification Scheme 2023. Collection method: clinical testing. Allele origin: germline.
Comment: The p.E278D variant (also known as c.834A>T), located in coding exon 1 of the NEFL gene, results from an A to T substitution at nucleotide position 834. The glutamic acid at codon 278 is replaced by aspartic acid, an amino acid with highly similar properties. This amino acid position is well conserved in available vertebrate species. In addition, this alteration is predicted to be tolerated by in silico analysis. Since supporting evidence is limited at this time, the clinical significance of this alteration remains unclear.